The following is an entry in ClinVar:

NM_014053.4(FLVCR1):c.692C>A (p.Pro231His)

Gene: FLVCR1 (FLVCR choline and heme transporter 1; plus strand). Cytogenetic location: 1q32.3.
Variant type: single nucleotide variant.
Coding change: c.692C>A on transcript NM_014053.4 (MANE Select); coding-DNA position 692, C replaced by A.
Protein change: p.Pro231His; replaces proline 231 with histidine.
Molecular consequence: missense variant.
Genome position (GRCh38, 1-based): chr1:212,859,144, C>A. VCF-style: chr1-212859144-C-A. GRCh37 (hg19) VCF-style: chr1-213032486-C-A.
Other names: short protein forms P231H.
Identifiers: ClinVar variation 942250 (VCV000942250.9), dbSNP rs1664138454, ClinGen allele CA344797512.

ClinVar aggregate classification (germline): Uncertain significance (1 of 4 stars; one submission).

Submission:

Labcorp Genetics (formerly Invitae), Labcorp
Classification: Uncertain significance. Last evaluated: 2025-04-16. Review status: criteria provided, single submitter. Criteria: Invitae Variant Classification Sherloc (09022015). Collection method: clinical testing. Allele origin: germline.
Comment: This sequence change replaces proline, which is neutral and non-polar, with histidine, which is basic and polar, at codon 231 of the FLVCR1 protein (p.Pro231His). This variant is not present in population databases (gnomAD no frequency). This variant has not been reported in the literature in individuals affected with FLVCR1-related conditions. ClinVar contains an entry for this variant (Variation ID: 942250). Invitae Evidence Modeling of protein sequence and biophysical properties (such as structural, functional, and spatial information, amino acid conservation, physicochemical variation, residue mobility, and thermodynamic stability) indicates that this missense variant is not expected to disrupt FLVCR1 protein function with a negative predictive value of 80%. In summary, the available evidence is currently insufficient to determine the role of this variant in disease. Therefore, it has been classified as a Variant of Uncertain Significance.